The following is an entry in ClinVar:

ClinVar aggregate classification (germline): Uncertain significance. Review status: criteria provided, multiple submitters, no conflicts (2 of 4 stars). 3 submissions from 3 submitters: Uncertain significance (3). Last evaluated 2021-01-25.

Conditions:
Hereditary cancer-predisposing syndrome. Also called: Neoplastic Syndromes, Hereditary; Tumor predisposition; Hereditary Cancer Syndrome; Hereditary neoplastic syndrome. Identifiers: Orphanet 140162, MedGen C0027672, MeSH D009386, MONDO:0015356.
Hereditary nonpolyposis colorectal neoplasms. Identifiers: MedGen C0009405, MeSH D003123.

gnomAD v4.1: 6 of 1,517,866 alleles (0.0004%); highest among the groups gnomAD compares: East Asian, 0.014%; no homozygotes.

Submissions (3):

Labcorp Genetics (formerly Invitae), Labcorp
Classification: Uncertain significance for Hereditary nonpolyposis colorectal neoplasms. Last evaluated: 2021-01-25. Review status: criteria provided, single submitter. Criteria: Invitae Variant Classification Sherloc (09022015). Collection method: clinical testing. Allele origin: germline.
Comment: This variant is not present in population databases (ExAC no frequency). This sequence change replaces valine with leucine at codon 243 of the PMS2 protein (p.Val243Leu). The valine residue is moderately conserved and there is a small physicochemical difference between valine and leucine. This variant has not been reported in the literature in individuals with PMS2-related conditions. Algorithms developed to predict the effect of missense changes on protein structure and function (SIFT, PolyPhen-2, Align-GVGD) all suggest that this variant is likely to be tolerated, but these predictions have not been confirmed by published functional studies and their clinical significance is uncertain. In summary, the available evidence is currently insufficient to determine the role of this variant in disease. Therefore, it has been classified as a Variant of Uncertain Significance.

Color Diagnostics, LLC DBA Color Health
Classification: Uncertain significance for Hereditary cancer-predisposing syndrome. Last evaluated: 2019-10-28. Review status: criteria provided, single submitter. Criteria: ACMG Guidelines, 2015. Collection method: clinical testing. Allele origin: germline.
Comment: This missense variant replaces valine with leucine at codon 243 of the PMS2 protein. Computational prediction suggests that this variant may not impact protein structure and function (internally defined REVEL score threshold <= 0.5, PMID: 27666373). Splice site prediction tools suggest that this variant may not impact RNA splicing. To our knowledge, functional studies have not been performed for this variant. This variant has not been reported in individuals affected with hereditary cancer in the literature. This variant has not been identified in the general population by the Genome Aggregation Database (gnomAD). The available evidence is insufficient to determine the role of this variant in disease conclusively. Therefore, this variant is classified as a Variant of Uncertain Significance.

Ambry Genetics
Classification: Uncertain significance for Hereditary cancer-predisposing syndrome. Last evaluated: 2018-01-31. Review status: criteria provided, single submitter. Criteria: Ambry Variant Classification Scheme 2023. Collection method: clinical testing. Allele origin: germline.
Comment: The p.V243L variant (also known as c.727G>C), located in coding exon 7 of the PMS2 gene, results from a G to C substitution at nucleotide position 727. The valine at codon 243 is replaced by leucine, an amino acid with highly similar properties. This amino acid position is well conserved in available vertebrate species. In addition, the in silico prediction for this alteration is inconclusive. Since supporting evidence is limited at this time, the clinical significance of this alteration remains unclear.

NM_000535.7(PMS2):c.727G>C (p.Val243Leu)

Gene: PMS2 (PMS1 homolog 2, mismatch repair system component; minus strand). Cytogenetic location: 7p22.1.
Variant type: single nucleotide variant.
Coding change: c.727G>C on transcript NM_000535.7 (MANE Select); coding-DNA position 727, G replaced by C.
Protein change: p.Val243Leu; replaces valine 243 with leucine.
Molecular consequence: missense variant. On other transcripts: 5 prime UTR variant (2), non-coding transcript variant (1).
Genome position (GRCh38, 1-based): chr7:5,997,402, C>G on the plus strand (G>C on the coding strand, the complement: PMS2 is on the minus strand). VCF-style: chr7-5997402-C-G. GRCh37 (hg19) VCF-style: chr7-6037033-C-G.
Other names: c.322G>C, p.Val108Leu (NM_001322003.2, NM_001322004.2, NM_001322005.2 and 2 more transcripts); c.727G>C, p.Val243Leu (NM_001322006.2, NM_001322014.2); c.409G>C, p.Val137Leu (NM_001322007.2, NM_001322008.2); c.-207G>C (NM_001322011.2, NM_001322012.2); c.154G>C, p.Val52Leu (NM_001322013.2); c.418G>C, p.Val140Leu (NM_001322015.2); short protein forms V243L, V108L, V137L, V140L, V52L.
Identifiers: ClinVar variation 923174 (VCV000923174.15), dbSNP rs867655834, ClinGen allele CA366743755.